The following is an entry in ClinVar:

ClinVar aggregate classification (germline): Uncertain significance (1 of 4 stars; one submission).

Allele frequency attached by ClinVar (database versions not stated): TOPMed below 0.00001; gnomAD exomes 0.00001.
gnomAD v4.1: 21 of 1,614,116 alleles (0.0013%); highest among the groups gnomAD compares: Non-Finnish European, 0.0016%; no homozygotes.

Submission:

Labcorp Genetics (formerly Invitae), Labcorp
Classification: Uncertain significance. Last evaluated: 2024-01-01. Review status: criteria provided, single submitter. Criteria: Invitae Variant Classification Sherloc (09022015). Collection method: clinical testing. Allele origin: germline.
Comment: This sequence change replaces isoleucine, which is neutral and non-polar, with methionine, which is neutral and non-polar, at codon 5013 of the HMCN1 protein (p.Ile5013Met). This variant is present in population databases (no rsID available, gnomAD 0.0009%). This variant has not been reported in the literature in individuals affected with HMCN1-related conditions. An algorithm developed to predict the effect of missense changes on protein structure and function (PolyPhen-2) suggests that this variant is likely to be tolerated. In summary, the available evidence is currently insufficient to determine the role of this variant in disease. Therefore, it has been classified as a Variant of Uncertain Significance.

NM_031935.3(HMCN1):c.15039T>G (p.Ile5013Met)

Gene: HMCN1 (hemicentin 1; plus strand). Cytogenetic location: 1q31.1.
Variant type: single nucleotide variant.
Coding change: c.15039T>G on transcript NM_031935.3 (MANE Select); coding-DNA position 15039, T replaced by G.
Protein change: p.Ile5013Met; replaces isoleucine 5013 with methionine.
Molecular consequence: missense variant.
Genome position (GRCh38, 1-based): chr1:186,153,770, T>G. VCF-style: chr1-186153770-T-G. GRCh37 (hg19) VCF-style: chr1-186122902-T-G.
Other names: short protein forms I5013M.
Identifiers: ClinVar variation 3001331 (VCV003001331.3), dbSNP rs1265647346, ClinGen allele CA343923247.